The following is an entry in ClinVar:

ClinVar aggregate classification (germline): Pathogenic. Review status: criteria provided, multiple submitters, no conflicts (2 of 4 stars). 3 submissions from 3 submitters: Pathogenic (3). Last evaluated 2024-12-23.

Conditions:
Hereditary hemorrhagic telangiectasia (HHT). Also called: ORW DISEASE; Osler Weber Rendu syndrome; OSLER-RENDU-WEBER DISEASE; Osler hemorrhagic telangiectasia syndrome. Identifiers: Orphanet 774, MedGen C0039445, MONDO:0019180. Disease mechanism: loss of function.
Telangiectasia, hereditary hemorrhagic, type 1 (HHT1). Also called: Osler Weber Rendu syndrome type 1; ENG-Related Hereditary Hemorrhagic Telangiectasia. Identifiers: Orphanet 774, MedGen C4551861, MONDO:0008535, OMIM 187300. Disease mechanism: loss of function.

Submissions (3):

ARUP Laboratories, Molecular Genetics and Genomics, ARUP Laboratories
Classification: Pathogenic for Telangiectasia, hereditary hemorrhagic, type 1. Last evaluated: 2024-12-23. Review status: criteria provided, single submitter. Criteria: ARUP Molecular Germline Variant Investigation Process 2024. Collection method: clinical testing. Allele origin: germline.
Comment: The ENG c.1689_1699del; p.Glu563AspfsTer12 variant (rs1830345043, ClinVar Variation ID: 839929) is reported in the literature in one individual with a clinical diagnosis of hereditary hemorrhagic telangiectasia (HHT) and a reduced endoglin level in activated monocytes (Cymerman 2000). In testing performed at ARUP Laboratories, this variant has also been observed in two brothers with symptoms of HHT. This variant is absent from the Genome Aggregation Database (v2.1.1), indicating it is not a common polymorphism. This variant causes a frameshift by deleting 11 nucleotides, so it is predicted to result in a truncated protein or mRNA subject to nonsense-mediated decay. Based on the available information, this variant is considered to be pathogenic. References: Cymerman et al. Identification of hereditary hemorrhagic telangiectasia type 1 in newborns by protein expression and mutation analysis of endoglin. Pediatr Res. 2000 Jan;47(1):24-35. PMID: 10625079.

Labcorp Genetics (formerly Invitae), Labcorp
Classification: Pathogenic for Hereditary hemorrhagic telangiectasia. Last evaluated: 2024-08-07. Review status: criteria provided, single submitter. Criteria: Invitae Variant Classification Sherloc (09022015). Collection method: clinical testing. Allele origin: germline.
Comment: This sequence change creates a premature translational stop signal (p.Glu563Aspfs*12) in the ENG gene. While this is not anticipated to result in nonsense mediated decay, it is expected to disrupt the last 63 amino acid(s) of the ENG protein. This variant is not present in population databases (gnomAD no frequency). This premature translational stop signal has been observed in individual(s) with clinical features of hereditary hemorrhagic telangiectasia (PMID: 10625079; Invitae). This variant is also known as "deltaAGTCCATAGGA, FS at 1689". ClinVar contains an entry for this variant (Variation ID: 839929). This variant disrupts a region of the ENG protein in which other variant(s) (p.Leu572) have been determined to be pathogenic (PMID: 11440987). This suggests that this is a clinically significant region of the protein, and that variants that disrupt it are likely to be disease-causing. For these reasons, this variant has been classified as Pathogenic.

Mayo Clinic Laboratories, Mayo Clinic
Classification: Pathogenic. Last evaluated: 2022-06-20. Review status: criteria provided, single submitter. Criteria: ACMG Guidelines, 2015. Collection method: clinical testing. Allele origin: germline. Observed: 1 variant allele.
Comment: PM2_supporting, PS4_moderate, PVS1

Literature cited by the submitters: PubMed 10625079 (cited by Labcorp Genetics (formerly Invitae), Labcorp and Mayo Clinic Laboratories, Mayo Clinic); PubMed 11440987 (cited by Labcorp Genetics (formerly Invitae), Labcorp).

NM_000118.3(ENG):c.1689_1699del (p.Glu563Aspfs)

Genes: ENG (endoglin; minus strand), LOC102723566 (uncharacterized LOC102723566; plus strand). Cytogenetic location: 9q34.11.
Variant type: Deletion.
Coding change: c.1689_1699del on transcript NM_000118.3; coding-DNA positions 1689 to 1699, 11 bases deleted (AGTCCATAGGA).
Protein change: p.Glu563Aspfs; shifts the reading frame from glutamic acid 563.
Molecular consequence: non-coding transcript variant (on NR_136302.1).
Genome position (GRCh38, 1-based): chr9:127,817,191-127,817,201, TCCTATGGACT deleted on the plus strand (AGTCCATAGGA on the coding strand, the reverse complement: ENG is on the minus strand); deleting any 11 consecutive bases within chr9:127,817,191-127,817,205 gives the same sequence; the c. name uses the placement nearest the transcript's 3' end. VCF-style (leftmost placement, unchanged base first): chr9-127817190-GTCCTATGGACT-G. GRCh37 (hg19) VCF-style: chr9-130579469-GTCCTATGGACT-G.
Other names: p.Glu563Aspfs*12.
Identifiers: ClinVar variation 839929 (VCV000839929.18), dbSNP rs1830345043, ClinGen allele CA916081550.